The following is an entry in ClinVar:

NM_000492.4(CFTR):c.1469T>C (p.Phe490Ser)

Genes: CFTR (CF transmembrane conductance regulator; plus strand), CFTR-AS1 (CFTR antisense RNA 1; minus strand). Cytogenetic location: 7q31.2.
Variant type: single nucleotide variant.
Coding change: c.1469T>C on transcript NM_000492.4 (MANE Select); coding-DNA position 1469, T replaced by C.
Protein change: p.Phe490Ser; replaces phenylalanine 490 with serine.
Molecular consequence: missense variant.
Genome position (GRCh38, 1-based): chr7:117,559,540, T>C. VCF-style: chr7-117559540-T-C. GRCh37 (hg19) VCF-style: chr7-117199594-T-C.
Other names: short protein forms F490S.
Identifiers: ClinVar variation 3491633 (VCV003491633.3).

ClinVar aggregate classification (germline): Uncertain significance. Review status: criteria provided, multiple submitters, no conflicts (2 of 4 stars). 2 submissions from 2 submitters: Uncertain significance (2). Last evaluated 2024-07-23.

Conditions:
Cystic fibrosis (CF). Also called: MUCOVISCIDOSIS. Identifiers: Orphanet 586, MedGen C0010674, MONDO:0009061, OMIM 219700. Disease mechanism: loss of function.

Submissions (2):

Ambry Genetics
Classification: Uncertain significance for Cystic fibrosis. Last evaluated: 2024-07-23. Review status: criteria provided, single submitter. Criteria: Ambry Variant Classification Scheme 2023. Collection method: clinical testing. Allele origin: germline.
Comment: The p.F490S variant (also known as c.1469T>C), located in coding exon 11 of the CFTR gene, results from a T to C substitution at nucleotide position 1469. The phenylalanine at codon 490 is replaced by serine, an amino acid with highly dissimilar properties. This amino acid position is conserved. In addition, this alteration is predicted to be deleterious by in silico analysis. Based on the available evidence, the clinical significance of this variant remains unclear.

Labcorp Genetics (formerly Invitae), Labcorp
Classification: Uncertain significance for Cystic fibrosis. Last evaluated: 2024-02-27. Review status: criteria provided, single submitter. Criteria: Invitae Variant Classification Sherloc (09022015). Collection method: clinical testing. Allele origin: germline.
Comment: This sequence change replaces phenylalanine, which is neutral and non-polar, with serine, which is neutral and polar, at codon 490 of the CFTR protein (p.Phe490Ser). This variant is not present in population databases (gnomAD no frequency). This variant has not been reported in the literature in individuals affected with CFTR-related conditions. Advanced modeling of protein sequence and biophysical properties (such as structural, functional, and spatial information, amino acid conservation, physicochemical variation, residue mobility, and thermodynamic stability) performed at Invitae indicates that this missense variant is expected to disrupt CFTR protein function with a positive predictive value of 80%. In summary, the available evidence is currently insufficient to determine the role of this variant in disease. Therefore, it has been classified as a Variant of Uncertain Significance.